The following is an entry in ClinVar:

ClinVar aggregate classification (germline): Pathogenic/Likely pathogenic. Review status: criteria provided, multiple submitters, no conflicts (2 of 4 stars). 2 submissions from 2 submitters: Pathogenic (1); Likely pathogenic (1). Last evaluated 2025-02-27.

Conditions:
Alport syndrome. Also called: Hemorrhagic familial nephritis; Hemorrhagic hereditary nephritis; Congenital hereditary hematuria. Identifiers: Orphanet 63, MedGen C1567741, MONDO:0018965.

Submissions (2):

Natera, Inc.
Classification: Likely pathogenic for Alport syndrome. Last evaluated: 2025-02-27. Review status: criteria provided, single submitter. Criteria: Natera Variant Classification Schema (03/2026). Collection method: clinical testing. Allele origin: germline.
Comment: The c.888+1G>A variant in COL4A3 is a canonical splice donor site variant predicted to affect pre-mRNA splicing, which may result in an abnormal transcript and altered protein product. This variant is expected to result in nonsense mediated decay, truncation, or a dysfunctional protein product. This variant is rare in the general population with a frequency below the threshold expected for the associated phenotype(s). Given the available evidence, this variant is classified as Likely Pathogenic.

Labcorp Genetics (formerly Invitae), Labcorp
Classification: Pathogenic. Last evaluated: 2021-06-29. Review status: criteria provided, single submitter. Criteria: Invitae Variant Classification Sherloc (09022015). Collection method: clinical testing. Allele origin: germline.
Comment: This sequence change affects a donor splice site in intron 15 of the COL4A3 gene. It is expected to disrupt RNA splicing. Variants that disrupt the donor or acceptor splice site typically lead to a loss of protein function (PMID: 16199547), and loss-of-function variants in COL4A3 are known to be pathogenic (PMID: 8956999, 24854265, 26809805, 27281700). This variant is not present in population databases (ExAC no frequency). This variant has been observed in individual(s) with clinical features of Alport syndrome (Invitae). In at least one individual the data is consistent with the variant being in trans (on the opposite chromosome) from a pathogenic variant. Algorithms developed to predict the effect of sequence changes on RNA splicing suggest that this variant may disrupt the consensus splice site, but this prediction has not been confirmed by published transcriptional studies. For these reasons, this variant has been classified as Pathogenic.

Literature cited by the submitters: PubMed 16199547 (cited by Labcorp Genetics (formerly Invitae), Labcorp); PubMed 8956999 (cited by Labcorp Genetics (formerly Invitae), Labcorp); PubMed 24854265 (cited by Labcorp Genetics (formerly Invitae), Labcorp); PubMed 26809805 (cited by Labcorp Genetics (formerly Invitae), Labcorp); PubMed 27281700 (cited by Labcorp Genetics (formerly Invitae), Labcorp).

NM_000091.5(COL4A3):c.888+1G>A

Genes: MFF-DT (MFF divergent transcript; minus strand), COL4A3 (collagen type IV alpha 3 chain; plus strand). Cytogenetic location: 2q36.3.
Variant type: single nucleotide variant.
Coding change: c.888+1G>A on transcript NM_000091.5 (MANE Select); the canonical splice donor site of the intron after coding-DNA position 888, G replaced by A.
Molecular consequence: splice donor variant.
Genome position (GRCh38, 1-based): chr2:227,254,716, G>A. VCF-style: chr2-227254716-G-A. GRCh37 (hg19) VCF-style: chr2-228119432-G-A.
Other names: c.888+1G>A (NM_000091.4).
Identifiers: ClinVar variation 1068384 (VCV001068384.12), dbSNP rs2125936534, ClinGen allele CA350866574.